The following is an entry in ClinVar:

NM_015627.3(LDLRAP1):c.67G>C (p.Gly23Arg)

Genes: LDLRAP1 (low density lipoprotein receptor adaptor protein 1; plus strand), LOC129929773 (ATAC-STARR-seq lymphoblastoid silent region 456; plus strand). Cytogenetic location: 1p36.11.
Variant type: single nucleotide variant.
Coding change: c.67G>C on transcript NM_015627.3 (MANE Select); coding-DNA position 67, G replaced by C.
Protein change: p.Gly23Arg; replaces glycine 23 with arginine.
Molecular consequence: missense variant.
Genome position (GRCh38, 1-based): chr1:25,543,765, G>C. VCF-style: chr1-25543765-G-C. GRCh37 (hg19) VCF-style: chr1-25870256-G-C.
Other names: short protein forms G23R.
Identifiers: ClinVar variation 1755514 (VCV001755514.6), dbSNP rs546193771, ClinGen allele CA695417.
Genomic context (GRCh38, chr1:25,543,765, plus strand): 5'-GCGCTCAAGTCGGCGGGGCGGGCGCTGATCCGGAGCCCCAGCTTGGCCAAGCAGAGCTGG[G>C]GGGGCGGTGGCCGGCACCGCAGTGAGTGTGCGCGCGTCAGCCGGGCCGGGCCGGGATCGG-3'
Protein context (NP_056442.2, residues 13-33): RSPSLAKQSW[Gly23Arg]GGGRHRKLPE

ClinVar aggregate classification (germline): Uncertain significance. Review status: criteria provided, multiple submitters, no conflicts (2 of 4 stars). 4 submissions from 4 submitters: Uncertain significance (4). Last evaluated 2023-05-23.

Conditions:
Cardiovascular phenotype. Identifiers: MedGen CN230736.
Hypercholesterolemia, familial, 4 (FHCL4). Also called: HYPERCHOLESTEROLEMIA, AUTOSOMAL RECESSIVE, 1; HYPERCHOLESTEROLEMIA, AUTOSOMAL RECESSIVE, 2. Identifiers: Orphanet 391665, MedGen C1863512, MONDO:0011374, OMIM 603813.

Allele frequency attached by ClinVar (database versions not stated): 1000 Genomes Project 0.00040; 1000 Genomes Project 30x 0.00047.
gnomAD v4.1: 20 of 1,209,860 alleles (0.0017%); highest among the groups gnomAD compares: South Asian, 0.033%; no homozygotes.

Submissions (4):

Women's Health and Genetics/Laboratory Corporation of America, LabCorp
Classification: Uncertain significance. Last evaluated: 2023-05-23. Review status: criteria provided, single submitter. Criteria: LabCorp Variant Classification Summary - May 2015. Collection method: clinical testing. Allele origin: germline.
Comment: Variant summary: LDLRAP1 c.67G>C (p.Gly23Arg) results in a non-conservative amino acid change in the encoded protein sequence. Four of five in-silico tools predict a benign effect of the variant on protein function. The variant allele was found at a frequency of 4e-05 in 150532 control chromosomes (gnomAD, v3). The available data on variant occurrences in the general population are insufficient to allow any conclusion about variant significance. To our knowledge, no occurrence of c.67G>C in individuals affected with Familial Hypercholesterolemia and no experimental evidence demonstrating its impact on protein function have been reported. Two clinical diagnostic laboratories have submitted clinical-significance assessments for this variant to ClinVar after 2014, and both laboratories classified the variant as uncertain significance. Based on the evidence outlined above, the variant was classified as uncertain significance.

Genome-Nilou Lab
Classification: Uncertain significance for Hypercholesterolemia, familial, 4. Last evaluated: 2023-04-11. Review status: criteria provided, single submitter. Criteria: ACMG Guidelines, 2015. Collection method: clinical testing. Allele origin: germline. Affected: no.

Labcorp Genetics (formerly Invitae), Labcorp
Classification: Uncertain significance for Hypercholesterolemia, familial, 4. Last evaluated: 2022-01-11. Review status: criteria provided, single submitter. Criteria: Invitae Variant Classification Sherloc (09022015). Collection method: clinical testing. Allele origin: germline.
Comment: This sequence change replaces glycine, which is neutral and non-polar, with arginine, which is basic and polar, at codon 23 of the LDLRAP1 protein (p.Gly23Arg). This variant is not present in population databases (gnomAD no frequency). This variant has not been reported in the literature in individuals affected with LDLRAP1-related conditions. Algorithms developed to predict the effect of missense changes on protein structure and function are either unavailable or do not agree on the potential impact of this missense change (SIFT: "Deleterious"; PolyPhen-2: "Probably Damaging"; Align-GVGD: "Class C0"). In summary, the available evidence is currently insufficient to determine the role of this variant in disease. Therefore, it has been classified as a Variant of Uncertain Significance.

Ambry Genetics
Classification: Uncertain significance for Cardiovascular phenotype. Last evaluated: 2022-01-07. Review status: criteria provided, single submitter. Criteria: Ambry Variant Classification Scheme 2023. Collection method: clinical testing. Allele origin: germline.